The following is an entry in ClinVar:

ClinVar aggregate classification (germline): Likely benign. Review status: criteria provided, multiple submitters, no conflicts (2 of 4 stars). 2 submissions from 2 submitters: Likely benign (2). Last evaluated 2024-09-19.

Conditions:
Hereditary diffuse gastric adenocarcinoma (HDGC). Also called: DIFFUSE GASTRIC AND LOBULAR BREAST CANCER SYNDROME. Identifiers: Orphanet 26106, MedGen C1708349, MONDO:0007648, OMIM 137215.

Submissions (2):

Myriad Genetics, Inc.
Classification: Likely benign for Hereditary diffuse gastric adenocarcinoma. Last evaluated: 2024-09-19. Review status: criteria provided, single submitter. Criteria: Myriad Autosomal Dominant, Autosomal Recessive and X-Linked Classification Criteria (2023). Collection method: clinical testing. Allele origin: unknown.
Comment: This variant is considered likely benign. This variant is intronic and is not expected to impact mRNA splicing.

Labcorp Genetics (formerly Invitae), Labcorp
Classification: Likely benign for Hereditary diffuse gastric adenocarcinoma. Last evaluated: 2021-06-10. Review status: criteria provided, single submitter. Criteria: Invitae Variant Classification Sherloc (09022015). Collection method: clinical testing. Allele origin: germline.

NM_004360.5(CDH1):c.1712-16G>A

Gene: CDH1 (cadherin 1; plus strand). Cytogenetic location: 16q22.1.
Variant type: single nucleotide variant.
Coding change: c.1712-16G>A on transcript NM_004360.5 (MANE Select); 16 bases into the intron before coding-DNA position 1712, G replaced by A.
Molecular consequence: intron variant.
Genome position (GRCh38, 1-based): chr16:68,821,985, G>A. VCF-style: chr16-68821985-G-A. GRCh37 (hg19) VCF-style: chr16-68855888-G-A.
Other names: c.164-16G>A (NM_001317185.2); c.-254-16G>A (NM_001317186.2); c.1529-16G>A (NM_001317184.2).
Identifiers: ClinVar variation 1580696 (VCV001580696.9), dbSNP rs1480219208, ClinGen allele CA2573152603.
Genomic context (GRCh38, chr16:68,821,985, plus strand): 5'-GACTTGGTCTGGTGGAAGGCAATGGGGATTCATTACTGTTGCCAAGCTGCCACATTTTCT[G>A]TGTATTTTCTCTTAGGTTCTCCAGTTGCTACTGGAACAGGGACACTTCTGCTGATCCTGT-3'